The following is an entry in ClinVar:

NM_001134831.2(AHI1):c.3173C>T (p.Ala1058Val)

Gene: AHI1 (Abelson helper integration site 1; minus strand). Cytogenetic location: 6q23.3.
Variant type: single nucleotide variant.
Coding change: c.3173C>T on transcript NM_001134831.2 (MANE Select); coding-DNA position 3173, C replaced by T.
Protein change: p.Ala1058Val; replaces alanine 1058 with valine.
Molecular consequence: missense variant.
Genome position (GRCh38, 1-based): chr6:135,323,317, G>A on the plus strand (C>T on the coding strand, the complement: AHI1 is on the minus strand). VCF-style: chr6-135323317-G-A. GRCh37 (hg19) VCF-style: chr6-135644455-G-A.
Other names: c.3173C>T, p.Ala1058Val (NM_001134830.2, NM_001350503.2, NM_001350504.2 and 1 more transcripts); short protein forms A1058V.
Identifiers: ClinVar variation 1409098 (VCV001409098.5), dbSNP rs751040653, ClinGen allele CA365845866.
Genomic context (GRCh38, chr6:135,323,317, plus strand): 5'-ATAATGTCTCCGCGATGGATGGTTAGTTCATCTGATCGATTCGCTGTGTAGTCATAAAGA[G>A]CCACTACCTAAGAGAGAGATAAGACCACCACAGCTTTATCACAACTGTACCACAGAGAAA-3'
Protein context (NP_001128303.1, residues 1048-1068): HQVDTAPTVV[Ala1058Val]LYDYTANRSD

ClinVar aggregate classification (germline): Uncertain significance (1 of 4 stars; one submission).

Conditions:
Joubert syndrome. Also called: CEREBELLOPARENCHYMAL DISORDER IV; JOUBERT-BOLTSHAUSER SYNDROME; Familial aplasia of the vermis. Identifiers: Orphanet 475, MedGen C5979921, MONDO:0018772.

Allele frequency attached by ClinVar (database versions not stated): gnomAD 0.00001; gnomAD exomes 0.00001.
gnomAD v4.1: 20 of 1,613,174 alleles (0.0012%); highest among the groups gnomAD compares: Non-Finnish European, 0.0017%; no homozygotes.

Submission:

Labcorp Genetics (formerly Invitae), Labcorp
Classification: Uncertain significance for Joubert syndrome. Last evaluated: 2022-06-20. Review status: criteria provided, single submitter. Criteria: Invitae Variant Classification Sherloc (09022015). Collection method: clinical testing. Allele origin: germline.
Comment: This sequence change replaces alanine, which is neutral and non-polar, with valine, which is neutral and non-polar, at codon 1058 of the AHI1 protein (p.Ala1058Val). This variant is present in population databases (no rsID available, gnomAD 0.002%). This missense change has been observed in individual(s) with clinical features of inherited retinal dystrophy (Invitae). Algorithms developed to predict the effect of missense changes on protein structure and function are either unavailable or do not agree on the potential impact of this missense change (SIFT: "Tolerated"; PolyPhen-2: "Probably Damaging"; Align-GVGD: "Class C0"). In summary, the available evidence is currently insufficient to determine the role of this variant in disease. Therefore, it has been classified as a Variant of Uncertain Significance.